The following is an entry in ClinVar:

ClinVar aggregate classification (germline): Uncertain significance (1 of 4 stars; one submission).

Allele frequency attached by ClinVar (database versions not stated): gnomAD 0.00001; gnomAD exomes 0.00001; ExAC 0.00002.
gnomAD v4.1: 20 of 1,613,950 alleles (0.0012%); highest among the groups gnomAD compares: South Asian, 0.0033%; no homozygotes.

Submission:

Labcorp Genetics (formerly Invitae), Labcorp
Classification: Uncertain significance. Last evaluated: 2022-03-12. Review status: criteria provided, single submitter. Criteria: Invitae Variant Classification Sherloc (09022015). Collection method: clinical testing. Allele origin: germline.
Comment: This variant has not been reported in the literature in individuals affected with CLCN6-related conditions. This variant is present in population databases (rs749571420, gnomAD 0.003%). This sequence change replaces serine, which is neutral and polar, with glycine, which is neutral and non-polar, at codon 539 of the CLCN6 protein (p.Ser539Gly). In summary, the available evidence is currently insufficient to determine the role of this variant in disease. Therefore, it has been classified as a Variant of Uncertain Significance. Algorithms developed to predict the effect of missense changes on protein structure and function are either unavailable or do not agree on the potential impact of this missense change (SIFT: "Deleterious"; PolyPhen-2: "Probably Damaging"; Align-GVGD: "Class C0").

NM_001286.5(CLCN6):c.1615A>G (p.Ser539Gly)

Gene: CLCN6 (chloride voltage-gated channel 6; plus strand). Cytogenetic location: 1p36.22.
Variant type: single nucleotide variant.
Coding change: c.1615A>G on transcript NM_001286.5 (MANE Select); coding-DNA position 1615, A replaced by G.
Protein change: p.Ser539Gly; replaces serine 539 with glycine.
Molecular consequence: missense variant. On other transcripts: non-coding transcript variant (1).
Genome position (GRCh38, 1-based): chr1:11,834,324, A>G. VCF-style: chr1-11834324-A-G. GRCh37 (hg19) VCF-style: chr1-11894381-A-G.
Other names: c.1549A>G, p.Ser517Gly (NM_001256959.2); short protein forms S517G, S539G.
Identifiers: ClinVar variation 1931294 (VCV001931294.5), dbSNP rs749571420, ClinGen allele CA596555.
Genomic context (GRCh38, chr1:11,834,324, plus strand): 5'-GGGACCTTTGCCCTGATTGGTGCAGCGGCTTTCTTGGGCGGGGTGGTCCGCATGACCATC[A>G]GCCTCACGGTCATCCTGATCGAGTCCACCAATGAGATCACCTACGGGCTCCCCATCATGG-3'
Protein context (NP_001277.2, residues 529-549): FLGGVVRMTI[Ser539Gly]LTVILIESTN